The following is an entry in ClinVar:

NM_000179.3(MSH6):c.2901A>G (p.Ile967Met)

Gene: MSH6 (mutS homolog 6; plus strand). Cytogenetic location: 2p16.3.
Variant type: single nucleotide variant.
Coding change: c.2901A>G on transcript NM_000179.3 (MANE Select); coding-DNA position 2901, A replaced by G.
Protein change: p.Ile967Met; replaces isoleucine 967 with methionine.
Molecular consequence: missense variant. On other transcripts: non-coding transcript variant (5), intron variant (2).
Genome position (GRCh38, 1-based): chr2:47,800,884, A>G. VCF-style: chr2-47800884-A-G. GRCh37 (hg19) VCF-style: chr2-48028023-A-G.
Other names: c.2511A>G, p.Ile837Met (NM_001281492.2); c.1995A>G, p.Ile665Met (NM_001281493.2, NM_001281494.2, NM_001406812.1 and 6 more transcripts); c.2907A>G, p.Ile969Met (NM_001406813.1); c.2604A>G, p.Ile868Met (NM_001406818.1, NM_001406819.1, NM_001406797.1 and 10 more transcripts); c.2997A>G, p.Ile999Met (NM_001406795.1, NM_001406802.1); c.2901A>G, p.Ile967Met (NM_001406796.1, NM_001406798.1, NM_001406800.1 and 2 more transcripts); c.2376A>G, p.Ile792Met (NM_001406799.1, NM_001406806.1, NM_001406807.1); c.2823A>G, p.Ile941Met (NM_001406804.1); and 4 more; short protein forms I282M, I792M, I868M, I941M, I837M, I911M, I967M, I999M.
Identifiers: ClinVar variation 4111203 (VCV004111203.1).

ClinVar aggregate classification (germline): Uncertain significance (1 of 4 stars; one submission).

Conditions:
Hereditary cancer-predisposing syndrome. Also called: Tumor predisposition; Neoplastic Syndromes, Hereditary; Hereditary neoplastic syndrome; Hereditary Cancer Syndrome. Identifiers: Orphanet 140162, MedGen C0027672, MeSH D009386, MONDO:0015356.

Submission:

Ambry Genetics
Classification: Uncertain significance for Hereditary cancer-predisposing syndrome. Last evaluated: 2025-07-11. Review status: criteria provided, single submitter. Criteria: Ambry Variant Classification Scheme 2023. Collection method: clinical testing. Allele origin: germline.
Comment: The p.I967M variant (also known as c.2901A>G), located in coding exon 4 of the MSH6 gene, results from an A to G substitution at nucleotide position 2901. The isoleucine at codon 967 is replaced by methionine, an amino acid with highly similar properties. This amino acid position is not well conserved in available vertebrate species. In addition, this alteration is predicted to be tolerated by in silico analysis. Based on the available evidence, the clinical significance of this variant remains unclear.